The following is an entry in ClinVar:

ClinVar aggregate classification (germline): Uncertain significance. Review status: criteria provided, multiple submitters, no conflicts (2 of 4 stars). 6 submissions from 6 submitters: Uncertain significance (5). 1 of the submissions does not count toward it. Last evaluated 2023-12-27.

Conditions:
Fanconi anemia (FA). Also called: Fanconi's anemia. Identifiers: Orphanet 84, MedGen C0015625, MeSH D005199, MONDO:0019391.
Fanconi anemia complementation group A (FANCA). Also called: Fanconi anemia, group A; FANCA-Related Fanconi Anemia. Identifiers: Orphanet 84, MedGen C3469521, MONDO:0009215, OMIM 227650.

Allele frequency attached by ClinVar (database versions not stated): gnomAD 0.00003; gnomAD exomes 0.00003 and 0.00004; TOPMed 0.00003; ExAC 0.00004; ESP Exome Variant Server 0.00015.
gnomAD v4.1: 46 of 1,613,354 alleles (0.0029%); highest among the groups gnomAD compares: Middle Eastern, 0.018%; no homozygotes.

Submissions (6):

Labcorp Genetics (formerly Invitae), Labcorp
Classification: Uncertain significance for Fanconi anemia. Last evaluated: 2023-12-27. Review status: criteria provided, single submitter. Criteria: Invitae Variant Classification Sherloc (09022015). Collection method: clinical testing. Allele origin: germline.
Comment: This sequence change replaces alanine, which is neutral and non-polar, with valine, which is neutral and non-polar, at codon 349 of the FANCA protein (p.Ala349Val). This variant is present in population databases (rs142620413, gnomAD 0.01%). This variant has not been reported in the literature in individuals affected with FANCA-related conditions. ClinVar contains an entry for this variant (Variation ID: 456074). Advanced modeling of protein sequence and biophysical properties (such as structural, functional, and spatial information, amino acid conservation, physicochemical variation, residue mobility, and thermodynamic stability) performed at Invitae indicates that this missense variant is not expected to disrupt FANCA protein function with a negative predictive value of 80%. In summary, the available evidence is currently insufficient to determine the role of this variant in disease. Therefore, it has been classified as a Variant of Uncertain Significance.

St. Jude Molecular Pathology, St. Jude Children's Research Hospital
Classification: Uncertain significance for Fanconi anemia complementation group A. Last evaluated: 2023-12-01. Review status: criteria provided, single submitter. Criteria: St. Jude Assertion Criteria 2020. Collection method: clinical testing. Allele origin: germline.
Comment: The FANCA c.1046C>T (p.Ala349Val) missense change has a maximum subpopulation frequency of 0.01% in gnomAD v2.1.1. The in silico tool REVEL predicts a benign effect on protein function, but to our knowledge this prediction has not been confirmed by functional studies. To our knowledge, this variant has not been reported in individuals with Fanconi anemia. In summary, the evidence currently available is insufficient to determine the clinical significance of this variant. It has therefore been classified as of uncertain significance.

Fulgent Genetics
Classification: Uncertain significance for Fanconi anemia complementation group A. Last evaluated: 2021-12-22. Review status: criteria provided, single submitter. Criteria: ACMG Guidelines, 2015. Collection method: clinical testing. Allele origin: unknown.

Baylor Genetics
Classification: Uncertain significance for Fanconi anemia complementation group A. Last evaluated: 2019-07-05. Review status: criteria provided, single submitter. Criteria: ACMG Guidelines, 2015. Collection method: clinical testing. Allele origin: paternal. Affected: yes. Study: CSER-TexasKidsCanSeq.
Comment: This variant was determined to be of uncertain significance according to ACMG Guidelines, 2015 [PMID:25741868].

Illumina Laboratory Services, Illumina
Classification: Uncertain significance for Fanconi anemia complementation group A. Last evaluated: 2018-01-13. Review status: criteria provided, single submitter. Criteria: ICSL Variant Classification Criteria 13 December 2019. Collection method: clinical testing. Allele origin: germline.

Natera, Inc.
Classification: Uncertain significance for Fanconi anemia, group A. Last evaluated: 2020-09-16. Review status: no assertion criteria provided. Collection method: clinical testing. Allele origin: germline. Not counted in ClinVar's aggregate classification.

NM_000135.4(FANCA):c.1046C>T (p.Ala349Val)

Gene: FANCA (FA complementation group A; minus strand). Cytogenetic location: 16q24.3.
Variant type: single nucleotide variant.
Coding change: c.1046C>T on transcript NM_000135.4 (MANE Select); coding-DNA position 1046, C replaced by T.
Protein change: p.Ala349Val; replaces alanine 349 with valine.
Molecular consequence: missense variant.
Genome position (GRCh38, 1-based): chr16:89,792,508, G>A on the plus strand (C>T on the coding strand, the complement: FANCA is on the minus strand). VCF-style: chr16-89792508-G-A. GRCh37 (hg19) VCF-style: chr16-89858916-G-A.
Other names: c.1046C>T (LRG_495t1); c.1046C>T, p.Ala349Val (NM_001286167.3); short protein forms A349V.
Identifiers: ClinVar variation 456074 (VCV000456074.15), dbSNP rs142620413, ClinGen allele CA8252553.